The following is an entry in ClinVar:

NM_177438.3(DICER1):c.4265A>C (p.Glu1422Ala)

Gene: DICER1 (dicer 1, ribonuclease III; minus strand). Cytogenetic location: 14q32.13.
Variant type: single nucleotide variant.
Coding change: c.4265A>C on transcript NM_177438.3 (MANE Select); coding-DNA position 4265, A replaced by C.
Protein change: p.Glu1422Ala; replaces glutamic acid 1422 with alanine.
Molecular consequence: missense variant.
Genome position (GRCh38, 1-based): chr14:95,096,655, T>G on the plus strand (A>C on the coding strand, the complement: DICER1 is on the minus strand). VCF-style: chr14-95096655-T-G. GRCh37 (hg19) VCF-style: chr14-95562992-T-G.
Other names: c.4265A>C, p.Glu1422Ala (NM_001195573.1, NM_001271282.3, NM_001291628.2 and 1 more transcripts); short protein forms E1422A.
Identifiers: ClinVar variation 958037 (VCV000958037.12), dbSNP rs1890377342, ClinGen allele CA390869632.
Genomic context (GRCh38, chr14:95,096,655, plus strand): 5'-AAATCATCTTCATAGTCAGCCTCTTCCTTCGGAGCCCTCCACATCAGGCTCTCCTCCTCC[T>G]CATCCTCCTCCTCGTAATCCTCATCCAGTTTGCCATTCGCCAGCATGCAGTCTTTTGTCT-3'
Protein context (NP_803187.1, residues 1412-1432): KLDEDYEEED[Glu1422Ala]EEESLMWRAP

ClinVar aggregate classification (germline): Uncertain significance. Review status: criteria provided, multiple submitters, no conflicts (2 of 4 stars). 2 submissions from 2 submitters: Uncertain significance (2). Last evaluated 2024-05-24.

Conditions:
DICER1-related tumor predisposition. Also called: DICER1 syndrome; DICER1-related pleuropulmonary blastoma cancer predisposition syndrome. Identifiers: Orphanet 284343, MedGen C3839822, MONDO:0100216.
Hereditary cancer-predisposing syndrome. Also called: Hereditary neoplastic syndrome; Tumor predisposition; Neoplastic Syndromes, Hereditary; Hereditary Cancer Syndrome. Identifiers: Orphanet 140162, MedGen C0027672, MeSH D009386, MONDO:0015356.

Submissions (2):

Ambry Genetics
Classification: Uncertain significance for Hereditary cancer-predisposing syndrome. Last evaluated: 2024-05-24. Review status: criteria provided, single submitter. Criteria: Ambry Variant Classification Scheme 2023. Collection method: clinical testing. Allele origin: germline.
Comment: The p.E1422A variant (also known as c.4265A>C), located in coding exon 22 of the DICER1 gene, results from an A to C substitution at nucleotide position 4265. The glutamic acid at codon 1422 is replaced by alanine, an amino acid with dissimilar properties. This amino acid position is conserved. In addition, this alteration is predicted to be tolerated by in silico analysis. Based on the available evidence, the clinical significance of this variant remains unclear.

Labcorp Genetics (formerly Invitae), Labcorp
Classification: Uncertain significance for DICER1-related tumor predisposition. Last evaluated: 2023-12-01. Review status: criteria provided, single submitter. Criteria: Invitae Variant Classification Sherloc (09022015). Collection method: clinical testing. Allele origin: germline.
Comment: This sequence change replaces glutamic acid, which is acidic and polar, with alanine, which is neutral and non-polar, at codon 1422 of the DICER1 protein (p.Glu1422Ala). This variant is not present in population databases (gnomAD no frequency). This variant has not been reported in the literature in individuals affected with DICER1-related conditions. ClinVar contains an entry for this variant (Variation ID: 958037). Algorithms developed to predict the effect of missense changes on protein structure and function output the following: SIFT: "Not Available"; PolyPhen-2: "Possibly Damaging"; Align-GVGD: "Not Available". The alanine amino acid residue is found in multiple mammalian species, which suggests that this missense change does not adversely affect protein function. In summary, the available evidence is currently insufficient to determine the role of this variant in disease. Therefore, it has been classified as a Variant of Uncertain Significance.